The following is an entry in ClinVar:

ClinVar aggregate classification (germline): Uncertain significance (1 of 4 stars; one submission).

Conditions:
Inborn genetic diseases. Identifiers: MedGen C0950123, MeSH D030342.

Submission:

Ambry Genetics
Classification: Uncertain significance for Inborn genetic diseases. Last evaluated: 2026-07-13. Review status: criteria provided, single submitter. Criteria: Ambry Variant Classification Scheme 2023. Collection method: clinical testing. Allele origin: germline.
Comment: The p.M664K variant (also known as c.1991T>A), located in coding exon 22 of the FANCA gene, results from a T to A substitution at nucleotide position 1991. The methionine at codon 664 is replaced by lysine, an amino acid with similar properties. This amino acid position is conserved. In addition, this alteration is predicted to be deleterious by in silico analysis. Based on the available evidence, the clinical significance of this variant remains unclear.

NM_000135.4(FANCA):c.1991T>A (p.Met664Lys)

Gene: FANCA (FA complementation group A; minus strand). Cytogenetic location: 16q24.3.
Variant type: single nucleotide variant.
Coding change: c.1991T>A on transcript NM_000135.4 (MANE Select); coding-DNA position 1991, T replaced by A.
Protein change: p.Met664Lys; replaces methionine 664 with lysine.
Molecular consequence: missense variant.
Genome position (GRCh38, 1-based): chr16:89,773,294, A>T on the plus strand (T>A on the coding strand, the complement: FANCA is on the minus strand). VCF-style: chr16-89773294-A-T. GRCh37 (hg19) VCF-style: chr16-89839702-A-T.
Other names: c.1991T>A, p.Met664Lys (NM_001286167.3); short protein forms M664K.
Identifiers: ClinVar variation 5036352 (VCV005036352.1).
Genomic context (GRCh38, chr16:89,773,294, plus strand): 5'-CACATGAGACACAGCATGAGCTCCCATCCATCCTCACCATCACGCTGGCTGGGGTCTGTC[A>T]TGGAGGCTCTCAGCTCTCCCAGTGCAGCTGTGAGCTGTCCCAGGGGCTCCTCAGCAGAGT-3'
Protein context (NP_000126.2, residues 654-674): TAALGELRAS[Met664Lys]TDPSQRDVIS